The following is an entry in ClinVar:

NM_198253.3(TERT):c.2336A>G (p.His779Arg)

Gene: TERT (telomerase reverse transcriptase; minus strand). Cytogenetic location: 5p15.33.
Variant type: single nucleotide variant.
Coding change: c.2336A>G on transcript NM_198253.3 (MANE Select); coding-DNA position 2336, A replaced by G.
Protein change: p.His779Arg; replaces histidine 779 with arginine.
Molecular consequence: missense variant.
Genome position (GRCh38, 1-based): chr5:1,272,231, T>C on the plus strand (A>G on the coding strand, the complement: TERT is on the minus strand). VCF-style: chr5-1272231-T-C. GRCh37 (hg19) VCF-style: chr5-1272346-T-C.
Other names: c.2336A>G, p.His779Arg (NM_001193376.3, NM_003219.1); short protein forms H779R.
Identifiers: ClinVar variation 2454078 (VCV002454078.2), dbSNP rs2478209857, ClinGen allele CA359076344.

ClinVar aggregate classification (germline): Uncertain significance (1 of 4 stars; one submission).

Conditions:
Dyskeratosis congenita. Identifiers: Orphanet 1775, MedGen C0265965, MONDO:0015780.

Submission:

Ambry Genetics
Classification: Uncertain significance for Dyskeratosis congenita. Last evaluated: 2023-01-15. Review status: criteria provided, single submitter. Criteria: Ambry Variant Classification Scheme 2023. Collection method: clinical testing. Allele origin: germline.
Comment: The p.H779R variant (also known as c.2336A>G), located in coding exon 7 of the TERT gene, results from an A to G substitution at nucleotide position 2336. The histidine at codon 779 is replaced by arginine, an amino acid with highly similar properties. This amino acid position is conserved. In addition, this alteration is predicted to be tolerated by in silico analysis. Since supporting evidence is limited at this time, the clinical significance of this alteration remains unclear.